The following is an entry in ClinVar:

NM_024301.5(FKRP):c.568C>T (p.Arg190Cys)

Gene: FKRP (fukutin related protein; plus strand). Cytogenetic location: 19q13.32.
Variant type: single nucleotide variant.
Coding change: c.568C>T on transcript NM_024301.5 (MANE Select); coding-DNA position 568, C replaced by T.
Protein change: p.Arg190Cys; replaces arginine 190 with cysteine.
Molecular consequence: missense variant.
Genome position (GRCh38, 1-based): chr19:46,756,018, C>T. VCF-style: chr19-46756018-C-T. GRCh37 (hg19) VCF-style: chr19-47259275-C-T.
Other names: c.568C>T, p.Arg190Cys (NM_001039885.3); short protein forms R190C.
Identifiers: ClinVar variation 1447659 (VCV001447659.6), dbSNP rs1437770795, ClinGen allele CA406495577.

ClinVar aggregate classification (germline): Uncertain significance (1 of 4 stars; one submission).

Conditions:
Walker-Warburg congenital muscular dystrophy. Also called: Muscular dystrophy-dystroglycanopathy, type A; Walker-Warburg syndrome. Identifiers: Orphanet 899, MedGen C0265221, MONDO:0000171.

gnomAD v4.1: 2 of 1,572,630 alleles (0.00013%); highest among the groups gnomAD compares: Admixed American, 0.0018%; no homozygotes.

Submission:

Labcorp Genetics (formerly Invitae), Labcorp
Classification: Uncertain significance for Walker-Warburg congenital muscular dystrophy. Last evaluated: 2021-11-13. Review status: criteria provided, single submitter. Criteria: Invitae Variant Classification Sherloc (09022015). Collection method: clinical testing. Allele origin: germline.
Comment: This sequence change replaces arginine, which is basic and polar, with cysteine, which is neutral and slightly polar, at codon 190 of the FKRP protein (p.Arg190Cys). The frequency data for this variant in the population databases is considered unreliable, as metrics indicate poor data quality at this position in the gnomAD database. This missense change has been observed in individual(s) with limb-girdle muscular dystrophy (Invitae). In at least one individual the data is consistent with the variant being in trans (on the opposite chromosome) from a pathogenic variant. Algorithms developed to predict the effect of missense changes on protein structure and function (SIFT, PolyPhen-2, Align-GVGD) all suggest that this variant is likely to be tolerated. In summary, the available evidence is currently insufficient to determine the role of this variant in disease. Therefore, it has been classified as a Variant of Uncertain Significance.